The following is an entry in ClinVar:

ClinVar aggregate classification (germline): Benign/Likely benign. Review status: criteria provided, multiple submitters, no conflicts (2 of 4 stars). 7 submissions from 7 submitters: Benign (2); Likely benign (5). Last evaluated 2026-08-01.

Conditions:
Pyruvate carboxylase deficiency. Also called: Pyruvate Carboxylase Deficiency Disease; ATAXIA WITH LACTIC ACIDOSIS II; LEIGH NECROTIZING ENCEPHALOPATHY DUE TO PYRUVATE CARBOXYLASE DEFICIENCY; LEIGH SYNDROME DUE TO PYRUVATE CARBOXYLASE DEFICIENCY; PC DEFICIENCY. Identifiers: Orphanet 3008, MedGen C0034341, MONDO:0009949, OMIM 266150.

Allele frequency attached by ClinVar (database versions not stated): gnomAD exomes 0.00034 and 0.00074; ExAC 0.00093; 1000 Genomes Project 30x 0.00203; gnomAD 0.00210; 1000 Genomes Project 0.00220; TOPMed 0.00268; ESP Exome Variant Server 0.00308.
gnomAD v4.1: 892 of 1,613,506 alleles (0.055%); highest among the groups gnomAD compares: African/African-American, 0.83%; 4 homozygotes.

Submissions (7):

CeGaT Center for Human Genetics Tuebingen
Classification: Likely benign. Last evaluated: 2026-08-01. Review status: criteria provided, single submitter. Criteria: CeGaT Center For Human Genetics Tuebingen Variant Classification Criteria Version 2. Collection method: clinical testing. Allele origin: germline. Affected: yes. Observed: 2 variant alleles.
Comment: PC: BP4, BP7

Labcorp Genetics (formerly Invitae), Labcorp
Classification: Benign for Pyruvate carboxylase deficiency. Last evaluated: 2026-01-31. Review status: criteria provided, single submitter. Criteria: Invitae Variant Classification Sherloc (09022015). Collection method: clinical testing. Allele origin: germline.

Mayo Clinic Laboratories, Mayo Clinic
Classification: Likely benign. Last evaluated: 2025-06-09. Review status: criteria provided, single submitter. Criteria: ACMG Guidelines, 2015. Collection method: clinical testing. Allele origin: germline. Observed: 2 variant alleles.
Comment: BA1, BP4, BP7

Blueprint Genetics
Classification: Likely benign. Last evaluated: 2024-09-10. Review status: criteria provided, single submitter. Criteria: ACMG Guidelines, 2015. Collection method: clinical testing. Allele origin: germline.

Illumina Laboratory Services, Illumina
Classification: Likely benign for Pyruvate carboxylase deficiency. Last evaluated: 2018-01-12. Review status: criteria provided, single submitter. Criteria: ICSL Variant Classification Criteria 13 December 2019. Collection method: clinical testing. Allele origin: germline.
Comment: This variant was observed in the ICSL laboratory as part of a predisposition screen in an ostensibly healthy population. It had not been previously curated by ICSL or reported in the Human Gene Mutation Database (HGMD: prior to June 1st, 2018), and was therefore a candidate for classification through an automated scoring system. Utilizing variant allele frequency, disease prevalence and penetrance estimates, and inheritance mode, an automated score was calculated to assess if this variant is too frequent to cause the disease. Based on the score and internal cut-off values, a variant classified as likely benign is not then subjected to further curation. The score for this variant resulted in a classification of likely benign for this disease.

GeneDx
Classification: Benign. Last evaluated: 2014-06-12. Review status: criteria provided, single submitter. Criteria: GeneDx Variant Classification (06012015). Collection method: clinical testing. Allele origin: germline. Affected: yes.
Comment: This variant is considered likely benign or benign based on one or more of the following criteria: it is a conservative change, it occurs at a poorly conserved position in the protein, it is predicted to be benign by multiple in silico algorithms, and/or has population frequency not consistent with disease.

Breakthrough Genomics
Classification: Likely benign. Review status: criteria provided, single submitter. Criteria: ACMG Guidelines, 2015. Collection method: not provided. Allele origin: germline. Inheritance: Autosomal recessive inheritance. Affected: yes.

NM_001040716.2(PC):c.1608G>A (p.Pro536=)

Gene: PC (pyruvate carboxylase; minus strand). Cytogenetic location: 11q13.2.
Variant type: single nucleotide variant.
Coding change: c.1608G>A on transcript NM_001040716.2 (MANE Select); coding-DNA position 1608, G replaced by A.
Protein change: p.Pro536=; no amino-acid change (proline 536 retained).
Molecular consequence: synonymous variant.
Genome position (GRCh38, 1-based): chr11:66,852,656, C>T on the plus strand (G>A on the coding strand, the complement: PC is on the minus strand). VCF-style: chr11-66852656-C-T. GRCh37 (hg19) VCF-style: chr11-66620127-C-T.
Other names: p.P536P:CCG>CCA; p.Pro536=; c.1608G>A, p.Pro536= (NM_000920.4, NM_022172.3).
Identifiers: ClinVar variation 203896 (VCV000203896.24), dbSNP rs139074169, ClinGen allele CA312848.